The following is an entry in ClinVar:

NM_145331.3(MAP3K7):c.743G>T (p.Arg248Leu)

Gene: MAP3K7 (mitogen-activated protein kinase kinase kinase 7; minus strand). Cytogenetic location: 6q15.
Variant type: single nucleotide variant.
Coding change: c.743G>T on transcript NM_145331.3 (MANE Select); coding-DNA position 743, G replaced by T.
Protein change: p.Arg248Leu; replaces arginine 248 with leucine.
Molecular consequence: missense variant.
Genome position (GRCh38, 1-based): chr6:90,552,173, C>A on the plus strand (G>T on the coding strand, the complement: MAP3K7 is on the minus strand). VCF-style: chr6-90552173-C-A. GRCh37 (hg19) VCF-style: chr6-91261892-C-A.
Other names: c.743G>T, p.Arg248Leu (NM_003188.4, NM_145332.3, NM_145333.3); short protein forms R248L.
Identifiers: ClinVar variation 4755871 (VCV004755871.1).

ClinVar aggregate classification (germline): Uncertain significance (1 of 4 stars; one submission).

Submission:

GeneDx
Classification: Uncertain significance. Last evaluated: 2025-08-04. Review status: criteria provided, single submitter. Criteria: GeneDx Variant Classification Process June 2021. Collection method: clinical testing. Allele origin: germline. Affected: yes.
Comment: Not observed at significant frequency in large population cohorts (gnomAD); In silico analysis supports that this missense variant has a deleterious effect on protein structure/function; Has not been previously published as pathogenic or benign to our knowledge